The following is an entry in ClinVar:

NM_001128840.3(CACNA1D):c.4580C>T (p.Ala1527Val)

Gene: CACNA1D (calcium voltage-gated channel subunit alpha1 D; plus strand). Cytogenetic location: 3p21.1.
Variant type: single nucleotide variant.
Coding change: c.4580C>T on transcript NM_001128840.3 (MANE Select); coding-DNA position 4580, C replaced by T.
Protein change: p.Ala1527Val; replaces alanine 1527 with valine.
Molecular consequence: missense variant.
Genome position (GRCh38, 1-based): chr3:53,776,949, C>T. VCF-style: chr3-53776949-C-T. GRCh37 (hg19) VCF-style: chr3-53810976-C-T.
Other names: c.4640C>T, p.Ala1547Val (NM_000720.4); c.4535C>T, p.Ala1512Val (NM_001128839.3); short protein forms A1512V, A1527V, A1547V.
Identifiers: ClinVar variation 3376058 (VCV003376058.2).

ClinVar aggregate classification (germline): Uncertain significance. Review status: criteria provided, multiple submitters, no conflicts (2 of 4 stars). 2 submissions from 2 submitters: Uncertain significance (2). Last evaluated 2025-05-29.

Conditions:
Inborn genetic diseases. Identifiers: MedGen C0950123, MeSH D030342.

gnomAD v4.1: 6 of 1,612,120 alleles (0.00037%); highest among the groups gnomAD compares: South Asian, 0.0011%; no homozygotes.

Submissions (2):

Ambry Genetics
Classification: Uncertain significance for Inborn genetic diseases. Last evaluated: 2025-05-29. Review status: criteria provided, single submitter. Criteria: Ambry Variant Classification Scheme 2023. Collection method: clinical testing. Allele origin: germline.

GeneDx
Classification: Uncertain significance. Last evaluated: 2024-05-06. Review status: criteria provided, single submitter. Criteria: GeneDx Variant Classification Process June 2021. Collection method: clinical testing. Allele origin: germline. Affected: yes.
Comment: Not observed at significant frequency in large population cohorts (gnomAD); In silico analysis supports that this missense variant has a deleterious effect on protein structure/function; Has not been previously published as pathogenic or benign to our knowledge